The following is an entry in ClinVar:

NM_001329943.3(KIAA0586):c.3556C>A (p.Pro1186Thr)

Gene: KIAA0586 (KIAA0586; plus strand). Cytogenetic location: 14q23.1.
Variant type: single nucleotide variant.
Coding change: c.3556C>A on transcript NM_001329943.3 (MANE Select); coding-DNA position 3556, C replaced by A.
Protein change: p.Pro1186Thr; replaces proline 1186 with threonine.
Molecular consequence: missense variant.
Genome position (GRCh38, 1-based): chr14:58,488,649, C>A. VCF-style: chr14-58488649-C-A. GRCh37 (hg19) VCF-style: chr14-58955367-C-A.
Other names: c.3715C>A, p.Pro1239Thr (NM_001244189.2); c.3511C>A, p.Pro1171Thr (NM_001244190.2); c.3301C>A, p.Pro1101Thr (NM_001244191.2, NM_001329945.2, NM_001364700.1 and 1 more transcripts); c.3424C>A, p.Pro1142Thr (NM_001244192.2); c.3136C>A, p.Pro1046Thr (NM_001244193.2); c.3556C>A, p.Pro1186Thr (NM_001329944.2, NM_001329946.2, NM_001329947.2); c.3328C>A, p.Pro1110Thr (NM_014749.5); c.3328C>A (NM_014749.3); short protein forms P1046T, P1110T, P1142T, P1171T, P1186T, P1239T, P1101T.
Identifiers: ClinVar variation 1401254 (VCV001401254.9), dbSNP rs368136238, ClinGen allele CA7206198.

ClinVar aggregate classification (germline): Uncertain significance. Review status: criteria provided, multiple submitters, no conflicts (2 of 4 stars). 3 submissions from 3 submitters: Uncertain significance (3). Last evaluated 2025-01-13.

Conditions:
Short-rib thoracic dysplasia 14 with polydactyly (SRTD14). Identifiers: Orphanet 397715, MedGen C4225286, MONDO:0014688, OMIM 616546.
Joubert syndrome 23 (JBTS23). Identifiers: Orphanet 475, MedGen C4084822, MONDO:0014664, OMIM 616490.
Inborn genetic diseases. Identifiers: MedGen C0950123, MeSH D030342.

Allele frequency attached by ClinVar (database versions not stated): ExAC 0.00003; gnomAD 0.00003 and 0.00004; gnomAD exomes 0.00003 and 0.00013; TOPMed 0.00006; ESP Exome Variant Server 0.00008.
gnomAD v4.1: 186 of 1,613,732 alleles (0.012%); highest among the groups gnomAD compares: Non-Finnish European, 0.015%; no homozygotes.

Submissions (3):

Labcorp Genetics (formerly Invitae), Labcorp
Classification: Uncertain significance for Joubert syndrome 23; Short-rib thoracic dysplasia 14 with polydactyly. Last evaluated: 2025-01-13. Review status: criteria provided, single submitter. Criteria: Invitae Variant Classification Sherloc (09022015). Collection method: clinical testing. Allele origin: germline.
Comment: This sequence change replaces proline, which is neutral and non-polar, with threonine, which is neutral and polar, at codon 1239 of the KIAA0586 protein (p.Pro1239Thr). This variant is present in population databases (rs368136238, gnomAD 0.005%). This variant has not been reported in the literature in individuals affected with KIAA0586-related conditions. ClinVar contains an entry for this variant (Variation ID: 1401254). Invitae Evidence Modeling of protein sequence and biophysical properties (such as structural, functional, and spatial information, amino acid conservation, physicochemical variation, residue mobility, and thermodynamic stability) indicates that this missense variant is expected to disrupt KIAA0586 protein function with a positive predictive value of 80%. In summary, the available evidence is currently insufficient to determine the role of this variant in disease. Therefore, it has been classified as a Variant of Uncertain Significance.

Blueprint Genetics
Classification: Uncertain significance. Last evaluated: 2024-11-14. Review status: criteria provided, single submitter. Criteria: ACMG Guidelines, 2015. Collection method: clinical testing. Allele origin: germline.

Ambry Genetics
Classification: Uncertain significance for Inborn genetic diseases. Last evaluated: 2023-07-05. Review status: criteria provided, single submitter. Criteria: Ambry Variant Classification Scheme 2023. Collection method: clinical testing. Allele origin: germline.